The following is an entry in ClinVar:

ClinVar aggregate classification (germline): Uncertain significance (1 of 4 stars; one submission).

Conditions:
Inborn genetic diseases. Identifiers: MedGen C0950123, MeSH D030342.

Submission:

Ambry Genetics
Classification: Uncertain significance for Inborn genetic diseases. Last evaluated: 2024-04-14. Review status: criteria provided, single submitter. Criteria: Ambry Variant Classification Scheme 2023. Collection method: clinical testing. Allele origin: germline.
Comment: The p.L794P variant (also known as c.2381T>C), located in coding exon 19 of the LRRK2 gene, results from a T to C substitution at nucleotide position 2381. The leucine at codon 794 is replaced by proline, an amino acid with similar properties. This amino acid position is conserved. In addition, this alteration is predicted to be deleterious by in silico analysis. Based on the available evidence, the clinical significance of this variant remains unclear.

NM_198578.4(LRRK2):c.2381T>C (p.Leu794Pro)

Gene: LRRK2 (leucine rich repeat kinase 2; plus strand). Cytogenetic location: 12q12.
Variant type: single nucleotide variant.
Coding change: c.2381T>C on transcript NM_198578.4 (MANE Select); coding-DNA position 2381, T replaced by C.
Protein change: p.Leu794Pro; replaces leucine 794 with proline.
Molecular consequence: missense variant.
Genome position (GRCh38, 1-based): chr12:40,284,014, T>C. VCF-style: chr12-40284014-T-C. GRCh37 (hg19) VCF-style: chr12-40677816-T-C.
Other names: short protein forms L794P.
Identifiers: ClinVar variation 3291961 (VCV003291961.1).